The following is an entry in ClinVar:

NM_013247.5(HTRA2):c.251C>T (p.Thr84Ile)

Gene: HTRA2 (HtrA serine peptidase 2; plus strand). Cytogenetic location: 2p13.1.
Variant type: single nucleotide variant.
Coding change: c.251C>T on transcript NM_013247.5 (MANE Select); coding-DNA position 251, C replaced by T.
Protein change: p.Thr84Ile; replaces threonine 84 with isoleucine.
Molecular consequence: missense variant. On other transcripts: non-coding transcript variant (1).
Genome position (GRCh38, 1-based): chr2:74,530,257, C>T. VCF-style: chr2-74530257-C-T. GRCh37 (hg19) VCF-style: chr2-74757384-C-T.
Other names: c.251C>T, p.Thr84Ile (NM_001321727.1, NM_001321728.1, NM_145074.2); c.251C>T (NM_013247.4); short protein forms T84I.
Identifiers: ClinVar variation 1461789 (VCV001461789.9), dbSNP rs1397755052, ClinGen allele CA347377190.

ClinVar aggregate classification (germline): Uncertain significance. Review status: criteria provided, multiple submitters, no conflicts (2 of 4 stars). 2 submissions from 2 submitters: Uncertain significance (2). Last evaluated 2022-09-29.

Conditions:
Inborn genetic diseases. Identifiers: MedGen C0950123, MeSH D030342.

Allele frequency attached by ClinVar (database versions not stated): gnomAD exomes below 0.00001; gnomAD 0.00001.
gnomAD v4.1: 3 of 1,608,618 alleles (0.00019%); highest among the groups gnomAD compares: African/African-American, 0.0013%; no homozygotes.

Submissions (2):

Ambry Genetics
Classification: Uncertain significance for Inborn genetic diseases. Last evaluated: 2022-09-29. Review status: criteria provided, single submitter. Criteria: Ambry Variant Classification Scheme 2023. Collection method: clinical testing. Allele origin: germline.

Labcorp Genetics (formerly Invitae), Labcorp
Classification: Uncertain significance. Last evaluated: 2022-07-12. Review status: criteria provided, single submitter. Criteria: Invitae Variant Classification Sherloc (09022015). Collection method: clinical testing. Allele origin: germline.
Comment: This sequence change replaces threonine, which is neutral and polar, with isoleucine, which is neutral and non-polar, at codon 84 of the HTRA2 protein (p.Thr84Ile). This variant is present in population databases (no rsID available, gnomAD 0.01%). This variant has not been reported in the literature in individuals affected with HTRA2-related conditions. ClinVar contains an entry for this variant (Variation ID: 1461789). Algorithms developed to predict the effect of missense changes on protein structure and function output the following: SIFT: "Tolerated"; PolyPhen-2: "Benign"; Align-GVGD: "Class C0". The isoleucine amino acid residue is found in multiple mammalian species, which suggests that this missense change does not adversely affect protein function. In summary, the available evidence is currently insufficient to determine the role of this variant in disease. Therefore, it has been classified as a Variant of Uncertain Significance.